The following is an entry in ClinVar:

NM_007294.4(BRCA1):c.4119del (p.Ser1374fs)

Gene: BRCA1 (BRCA1 DNA repair associated; minus strand). Cytogenetic location: 17q21.31.
Variant type: Deletion.
Coding change: c.4119del on transcript NM_007294.4 (MANE Select); coding-DNA position 4119, one base deleted (G; older notation c.4119delG).
Protein change: p.Ser1374fs; shifts the reading frame from serine 1374.
Molecular consequence: frameshift variant.
Genome position (GRCh38, 1-based): chr17:43,091,010, C deleted on the plus strand (G on the coding strand, the reverse complement: BRCA1 is on the minus strand). VCF-style (leftmost placement, unchanged base first): chr17-43091009-TC-T. GRCh37 (hg19) VCF-style: chr17-41243026-TC-T.
Other names: c.600del, p.Ser201fs (NM_001408492.1, NM_001408478.1, NM_001408479.1 and 9 more transcripts); c.567del, p.Ser190fs (NM_001408495.1); c.546del, p.Ser183fs (NM_001408496.1, NM_001408497.1, NM_001408498.1 and 3 more transcripts); c.570del, p.Ser191fs (NM_001408494.1); c.4119del, p.Ser1374fs (NM_001407582.1, NM_001407581.1, NM_001407583.1 and 30 more transcripts); c.3906del, p.Ser1303fs (NM_001407571.1, NM_001407853.1, NM_001407894.1 and 9 more transcripts); c.597del, p.Ser200fs (NM_001408493.1, NM_001408490.1, NM_001408491.1); c.4116del, p.Ser1373fs (NM_001407587.1, NM_001407590.1, NM_001407591.1 and 22 more transcripts); and 42 more; short protein forms S103fs, S1078fs, S1206fs, S1246fs, S1247fs, S1262fs, S1263fs, S1285fs.
Identifiers: ClinVar variation 3226151 (VCV003226151.1), dbSNP rs2552094742, ClinGen allele CA2825002476.

ClinVar aggregate classification (germline): Pathogenic (1 of 4 stars; one submission).

Conditions:
Hereditary cancer-predisposing syndrome. Also called: Neoplastic Syndromes, Hereditary; Tumor predisposition; Hereditary neoplastic syndrome; Hereditary Cancer Syndrome. Identifiers: Orphanet 140162, MedGen C0027672, MeSH D009386, MONDO:0015356.

Submission:

Ambry Genetics
Classification: Pathogenic for Hereditary cancer-predisposing syndrome. Last evaluated: 2024-01-22. Review status: criteria provided, single submitter. Criteria: Ambry Variant Classification Scheme 2023. Collection method: clinical testing. Allele origin: germline.
Comment: The c.4119delG pathogenic mutation, located in coding exon 10 of the BRCA1 gene, results from a deletion of one nucleotide at nucleotide position 4119, causing a translational frameshift with a predicted alternate stop codon (p.S1374Vfs*19). This variant is considered to be rare based on population cohorts in the Genome Aggregation Database (gnomAD). This alteration is expected to result in loss of function by premature protein truncation or nonsense-mediated mRNA decay. As such, this alteration is interpreted as a disease-causing mutation.